The following is an entry in ClinVar:

NM_194318.4(B3GLCT):c.289C>T (p.Leu97Phe)

Gene: B3GLCT (beta 3-glucosyltransferase; plus strand). Cytogenetic location: 13q12.3.
Variant type: single nucleotide variant.
Coding change: c.289C>T on transcript NM_194318.4 (MANE Select); coding-DNA position 289, C replaced by T.
Protein change: p.Leu97Phe; replaces leucine 97 with phenylalanine.
Molecular consequence: missense variant.
Genome position (GRCh38, 1-based): chr13:31,247,041, C>T. VCF-style: chr13-31247041-C-T. GRCh37 (hg19) VCF-style: chr13-31821178-C-T.
Other names: short protein forms L97F.
Identifiers: ClinVar variation 2418377 (VCV002418377.7), dbSNP rs761989807, ClinGen allele CA6936547.

ClinVar aggregate classification (germline): Uncertain significance (1 of 4 stars; one submission).

Conditions:
Peters plus syndrome. Also called: KRAUSE-KIVLIN SYNDROME. Identifiers: Orphanet 709, MedGen C0796012, MONDO:0009856, OMIM 261540.

Allele frequency attached by ClinVar (database versions not stated): gnomAD exomes below 0.00001; ExAC 0.00001.

Submission:

Labcorp Genetics (formerly Invitae), Labcorp
Classification: Uncertain significance for Peters plus syndrome. Last evaluated: 2022-08-04. Review status: criteria provided, single submitter. Criteria: Invitae Variant Classification Sherloc (09022015). Collection method: clinical testing. Allele origin: germline.
Comment: In summary, the available evidence is currently insufficient to determine the role of this variant in disease. Therefore, it has been classified as a Variant of Uncertain Significance. Algorithms developed to predict the effect of missense changes on protein structure and function (SIFT, PolyPhen-2, Align-GVGD) all suggest that this variant is likely to be tolerated. This sequence change replaces leucine, which is neutral and non-polar, with phenylalanine, which is neutral and non-polar, at codon 97 of the B3GLCT protein (p.Leu97Phe). This variant is present in population databases (rs761989807, gnomAD 0.01%). This variant has not been reported in the literature in individuals affected with B3GLCT-related conditions.